The following is an entry in ClinVar:

ClinVar aggregate classification (germline): Likely pathogenic. Review status: criteria provided, multiple submitters, no conflicts (2 of 4 stars). 2 submissions from 2 submitters: Likely pathogenic (2). Last evaluated 2025-10-03.

Conditions:
Cardiovascular phenotype. Identifiers: MedGen CN230736.
Dilated cardiomyopathy 1G (CMD1G). Identifiers: Orphanet 154, MedGen C1858763, MONDO:0011400, OMIM 604145.
Autosomal recessive limb-girdle muscular dystrophy type 2J (LGMDR10). Also called: Limb-girdle muscular dystrophy, type 2J; MUSCULAR DYSTROPHY, LIMB-GIRDLE, AUTOSOMAL RECESSIVE 10. Identifiers: Orphanet 140922, MedGen C1837342, MONDO:0012127, OMIM 608807.

gnomAD v4.1: 1 of 1,613,240 alleles (0.000062%); highest among the groups gnomAD compares: Non-Finnish European, 0.000085%; no homozygotes.

Submissions (2):

Ambry Genetics
Classification: Likely pathogenic for Cardiovascular phenotype. Last evaluated: 2025-10-03. Review status: criteria provided, single submitter. Criteria: Ambry Variant Classification Scheme 2023. Collection method: clinical testing. Allele origin: germline.
Comment: The c.49161G>A (p.W16387*) alteration, located in exon 154 (coding exon 153) of the TTN gene, consists of a G to A substitution at nucleotide position 49161. This changes the amino acid from a tryptophan (W) to a stop codon at amino acid position 16387. This variant is expected to result in loss of function by premature protein truncation or nonsense-mediated mRNA decay. This variant was not reported in population-based cohorts in the Genome Aggregation Database (gnomAD). This exon is located in the A-band region of the N2-B isoform of the titin protein and is constitutively expressed in TTN transcripts (percent spliced in or PSI 100%). While truncating variants in TTN are present in 1-3% of the general population, truncating variants in the A-band are the most common cause of dilated cardiomyopathy (Herman, 2012; Roberts, 2015). TTN truncating variants encoded in constitutive exons (PSI >90%) have been found to be significantly associated with DCM regardless of their position in titin (Schafer, 2017; Akhtar, 2020; Massier, 2025). Based on the available evidence, this alteration is classified as likely pathogenic.

Labcorp Genetics (formerly Invitae), Labcorp
Classification: Likely pathogenic for Dilated cardiomyopathy 1G; Autosomal recessive limb-girdle muscular dystrophy type 2J. Last evaluated: 2025-07-03. Review status: criteria provided, single submitter. Criteria: Invitae Variant Classification Sherloc (09022015). Collection method: clinical testing. Allele origin: germline.
Comment: This sequence change creates a premature translational stop signal (p.Trp25452*) in the TTN gene. While this is not anticipated to result in nonsense mediated decay, it is expected to create a truncated TTN protein. This variant is not present in population databases (gnomAD no frequency). This premature translational stop signal has been observed in individual(s) with dilated cardiomyopathy (PMID: 31983221; internal data). ClinVar contains an entry for this variant (Variation ID: 1068120). This variant is located in the A band of TTN (PMID: 25589632). Truncating variants in this region are significantly overrepresented in patients affected with dilated cardiomyopathy (PMID: 25589632). Truncating variants in this region have also been reported in individuals affected with autosomal recessive centronuclear myopathy (PMID: 23975875). In summary, the currently available evidence indicates that the variant is pathogenic, but additional data are needed to prove that conclusively. Therefore, this variant has been classified as Likely Pathogenic.

Literature cited by the submitters: PubMed 22335739 (cited by Ambry Genetics); PubMed 25589632 (cited by Ambry Genetics and Labcorp Genetics (formerly Invitae), Labcorp); PubMed 27869827 (cited by Ambry Genetics); PubMed 32964742 (cited by Ambry Genetics); PubMed 39844436 (cited by Ambry Genetics); PubMed 31983221 (cited by Labcorp Genetics (formerly Invitae), Labcorp); PubMed 23975875 (cited by Labcorp Genetics (formerly Invitae), Labcorp).

NM_001267550.2(TTN):c.76356G>A (p.Trp25452Ter)

Genes: TTN (titin; minus strand), TTN-AS1 (TTN antisense RNA 1; plus strand). Cytogenetic location: 2q31.2.
Variant type: single nucleotide variant.
Coding change: c.76356G>A on transcript NM_001267550.2 (MANE Select); coding-DNA position 76356, G replaced by A.
Protein change: p.Trp25452Ter; replaces tryptophan 25452 with a stop codon.
Molecular consequence: nonsense.
Genome position (GRCh38, 1-based): chr2:178,569,776, C>T on the plus strand (G>A on the coding strand, the complement: TTN is on the minus strand). VCF-style: chr2-178569776-C-T. GRCh37 (hg19) VCF-style: chr2-179434503-C-T.
Other names: c.71433G>A, p.Trp23811Ter (NM_001256850.1); c.49161G>A, p.Trp16387Ter (NM_003319.4); c.68652G>A, p.Trp22884Ter (NM_133378.4); c.49536G>A, p.Trp16512Ter (NM_133432.3); c.49737G>A, p.Trp16579Ter (NM_133437.4); short protein forms W16387*, W16512*, W16579*, W22884*, W23811*, W25452*.
Identifiers: ClinVar variation 1068120 (VCV001068120.10), dbSNP rs2154168035, ClinGen allele CA349615774.